The following is an entry in ClinVar:

NM_000222.3(KIT):c.2102C>T (p.Ala701Val)

Gene: KIT (KIT proto-oncogene, receptor tyrosine kinase; plus strand). Cytogenetic location: 4q12.
Variant type: single nucleotide variant.
Coding change: c.2102C>T on transcript NM_000222.3 (MANE Select); coding-DNA position 2102, C replaced by T.
Protein change: p.Ala701Val; replaces alanine 701 with valine.
Molecular consequence: missense variant.
Genome position (GRCh38, 1-based): chr4:54,729,446, C>T. VCF-style: chr4-54729446-C-T. GRCh37 (hg19) VCF-style: chr4-55595612-C-T.
Other names: c.2090C>T, p.Ala697Val (NM_001093772.2, NM_001385286.1); c.2105C>T, p.Ala702Val (NM_001385284.1, NM_001385290.1); c.2102C>T, p.Ala701Val (NM_001385285.1); c.2093C>T, p.Ala698Val (NM_001385288.1, NM_001385292.1); short protein forms A697V, A701V, A702V, A698V.
Identifiers: ClinVar variation 2877931 (VCV002877931.3), dbSNP rs2109786828, ClinGen allele CA356909761.

ClinVar aggregate classification (germline): Uncertain significance (1 of 4 stars; one submission).

Conditions:
Gastrointestinal stromal tumor. Also called: Gastrointestinal stromal tumor, somatic; Gastrointestinal stroma tumor. Identifiers: Orphanet 44890, MedGen C0238198, MeSH D046152, MONDO:0011719, OMIM 606764, HP:0100723.

Allele frequency attached by ClinVar (database versions not stated): gnomAD exomes below 0.00001.
gnomAD v4.1: 1 of 1,613,658 alleles (0.000062%); highest among the groups gnomAD compares: Non-Finnish European, 0.000085%; no homozygotes.

Submission:

Labcorp Genetics (formerly Invitae), Labcorp
Classification: Uncertain significance for Gastrointestinal stromal tumor. Last evaluated: 2023-12-03. Review status: criteria provided, single submitter. Criteria: Invitae Variant Classification Sherloc (09022015). Collection method: clinical testing. Allele origin: germline.
Comment: This sequence change replaces alanine, which is neutral and non-polar, with valine, which is neutral and non-polar, at codon 701 of the KIT protein (p.Ala701Val). This variant is not present in population databases (gnomAD no frequency). This variant has not been reported in the literature in individuals affected with KIT-related conditions. An algorithm developed to predict the effect of missense changes on protein structure and function (PolyPhen-2) suggests that this variant is likely to be disruptive. In summary, the available evidence is currently insufficient to determine the role of this variant in disease. Therefore, it has been classified as a Variant of Uncertain Significance.